The following is an entry in ClinVar:

NM_013275.6(ANKRD11):c.130C>T (p.Arg44Cys)

Gene: ANKRD11 (ankyrin repeat domain 11; minus strand). Cytogenetic location: 16q24.3.
Variant type: single nucleotide variant.
Coding change: c.130C>T on transcript NM_013275.6 (MANE Select); coding-DNA position 130, C replaced by T.
Protein change: p.Arg44Cys; replaces arginine 44 with cysteine.
Molecular consequence: missense variant. On other transcripts: non-coding transcript variant (1).
Genome position (GRCh38, 1-based): chr16:89,305,302, G>A on the plus strand (C>T on the coding strand, the complement: ANKRD11 is on the minus strand). VCF-style: chr16-89305302-G-A. GRCh37 (hg19) VCF-style: chr16-89371710-G-A.
Other names: c.130C>T, p.Arg44Cys (NM_001256182.2, NM_001256183.2); c.130C>T (NM_013275.4); short protein forms R44C.
Identifiers: ClinVar variation 2498678 (VCV002498678.32), dbSNP rs764805663, ClinGen allele CA8243220.

ClinVar aggregate classification (germline): Benign/Likely benign. Review status: criteria provided, multiple submitters, no conflicts (2 of 4 stars). 3 submissions from 3 submitters: Benign (1); Likely benign (2). Last evaluated 2026-06-12.

Conditions:
Inborn genetic diseases. Identifiers: MedGen C0950123, MeSH D030342.
KBG syndrome (KBGS). Also called: ANKRD11-Related KBG Syndrome. Identifiers: Orphanet 2332, MedGen C0220687, MONDO:0007846, OMIM 148050.

Allele frequency attached by ClinVar (database versions not stated): TOPMed 0.00001; gnomAD 0.00003; gnomAD exomes 0.00003; ExAC 0.00005.
gnomAD v4.1: 47 of 1,613,872 alleles (0.0029%); highest among the groups gnomAD compares: Non-Finnish European, 0.0022%; no homozygotes.

Submissions (3):

Ambry Genetics
Classification: Likely benign for Inborn genetic diseases. Last evaluated: 2026-06-12. Review status: criteria provided, single submitter. Criteria: Ambry Variant Classification Scheme 2023. Collection method: clinical testing. Allele origin: germline.

Labcorp Genetics (formerly Invitae), Labcorp
Classification: Benign for KBG syndrome. Last evaluated: 2023-12-06. Review status: criteria provided, single submitter. Criteria: Invitae Variant Classification Sherloc (09022015). Collection method: clinical testing. Allele origin: germline.

CeGaT Center for Human Genetics Tuebingen
Classification: Likely benign. Last evaluated: 2023-01-01. Review status: criteria provided, single submitter. Criteria: CeGaT Center For Human Genetics Tuebingen Variant Classification Criteria Version 2. Collection method: clinical testing. Allele origin: germline. Affected: yes. Observed: 1 variant allele.
Comment: ANKRD11: BP1